The following is an entry in ClinVar:

ClinVar aggregate classification (germline): Pathogenic (1 of 4 stars; one submission).

Conditions:
Sotos syndrome (SOTOS). Also called: CEREBRAL GIGANTISM; Sotos' syndrome; CHROMOSOME 5q35 DELETION SYNDROME; SOTOS SYNDROME 1; Distinctive facial appearance, overgrowth in childhood, and learning disabilities or delayed development. Identifiers: Orphanet 821, MedGen C0175695, MONDO:0019349, OMIM 117550.

Submission:

Mendelics
Classification: Pathogenic for Sotos syndrome. Last evaluated: 2026-03-28. Review status: criteria provided, single submitter. Criteria: ACMG Guidelines, 2015. Collection method: clinical testing. Allele origin: unknown.
Comment: Large (1.9 Mbp) deletion in 5q35.

Single allele

Genes: ARL10 (ARF like GTPase 10; plus strand), B4GALT7 (beta-1,4-galactosyltransferase 7; plus strand), CDHR2 (cadherin related family member 2; plus strand), CLTB (clathrin light chain B; minus strand), DBN1 (drebrin 1; minus strand) and 142 more. Cytogenetic location: 5q35.2-35.3.
Variant type: Deletion.
Identifiers: ClinVar variation 4820243 (VCV004820243.1).